The following is an entry in ClinVar:

ClinVar aggregate classification (germline): Likely benign (0 of 4 stars; one submission).

Conditions:
KCNQ1-related disorder. Also called: KCNQ1-related disorders; KCNQ1-related condition. Identifiers: MedGen CN239322.

Allele frequency attached by ClinVar (database versions not stated): gnomAD exomes 0.00007; 1000 Genomes Project 30x 0.00078; 1000 Genomes Project 0.00080; TOPMed 0.00080; gnomAD 0.00086.
gnomAD v4.1: 147 of 398,598 alleles (0.037%); highest among the groups gnomAD compares: African/African-American, 0.29%; no homozygotes.

Submission:

PreventionGenetics, part of Exact Sciences
Classification: Likely benign for KCNQ1-related condition. Last evaluated: 2022-02-10. Review status: no assertion criteria provided. Collection method: clinical testing. Allele origin: germline.
Comment: This variant is classified as likely benign based on ACMG/AMP sequence variant interpretation guidelines (Richards et al. 2015 PMID: 25741868, with internal and published modifications).

NM_000218.3(KCNQ1):c.1514+16295A>T

Genes: KCNQ1 (potassium voltage-gated channel subfamily Q member 1; plus strand), KCNQ1OT1 (KCNQ1 opposite strand/antisense transcript 1; minus strand). Cytogenetic location: 11p15.5.
Variant type: single nucleotide variant.
Coding change: c.1514+16295A>T on transcript NM_000218.3 (MANE Select); 16295 bases into the intron after coding-DNA position 1514, A replaced by T.
Molecular consequence: intron variant. On other transcripts: non-coding transcript variant (1).
Genome position (GRCh38, 1-based): chr11:2,678,376, A>T. VCF-style: chr11-2678376-A-T. GRCh37 (hg19) VCF-style: chr11-2699606-A-T.
Other names: c.1244+16295A>T (NM_001406837.1); c.1418+16295A>T (NM_001406836.1); c.974+16295A>T (NM_001406838.1); c.1133+16295A>T (NM_181798.2).
Identifiers: ClinVar variation 3029262 (VCV003029262.2), dbSNP rs181011332, ClinGen allele CA216183073.